The following is an entry in ClinVar:

NM_005876.5(SPEG):c.8801C>T (p.Pro2934Leu)

Genes: ASIC4-AS1 (ASIC4 antisense RNA 1; minus strand), SPEG (striated muscle enriched protein kinase; plus strand). Cytogenetic location: 2q35.
Variant type: single nucleotide variant.
Coding change: c.8801C>T on transcript NM_005876.5 (MANE Select); coding-DNA position 8801, C replaced by T.
Protein change: p.Pro2934Leu; replaces proline 2934 with leucine.
Molecular consequence: missense variant.
Genome position (GRCh38, 1-based): chr2:219,489,819, C>T. VCF-style: chr2-219489819-C-T. GRCh37 (hg19) VCF-style: chr2-220354541-C-T.
Other names: short protein forms P2934L.
Identifiers: ClinVar variation 1448930 (VCV001448930.6), dbSNP rs752939628, ClinGen allele CA2127561.

ClinVar aggregate classification (germline): Uncertain significance (1 of 4 stars; one submission).

Allele frequency attached by ClinVar (database versions not stated): ExAC 0.00003; gnomAD exomes 0.00003; gnomAD 0.00005 and 0.00006; TOPMed 0.00009.
gnomAD v4.1: 42 of 1,613,434 alleles (0.0026%); highest among the groups gnomAD compares: Admixed American, 0.012%; no homozygotes.

Submission:

Labcorp Genetics (formerly Invitae), Labcorp
Classification: Uncertain significance. Last evaluated: 2022-07-06. Review status: criteria provided, single submitter. Criteria: Invitae Variant Classification Sherloc (09022015). Collection method: clinical testing. Allele origin: germline.
Comment: This sequence change replaces proline, which is neutral and non-polar, with leucine, which is neutral and non-polar, at codon 2934 of the SPEG protein (p.Pro2934Leu). This variant is present in population databases (rs752939628, gnomAD 0.008%). This variant has not been reported in the literature in individuals affected with SPEG-related conditions. ClinVar contains an entry for this variant (Variation ID: 1448930). Algorithms developed to predict the effect of missense changes on protein structure and function output the following: SIFT: "Tolerated"; PolyPhen-2: "Benign"; Align-GVGD: "Class C0". The leucine amino acid residue is found in multiple mammalian species, which suggests that this missense change does not adversely affect protein function. In summary, the available evidence is currently insufficient to determine the role of this variant in disease. Therefore, it has been classified as a Variant of Uncertain Significance.